The following is an entry in ClinVar:

NM_015047.3(EMC1):c.881A>C (p.His294Pro)

Genes: EMC1-AS1 (EMC1 antisense RNA 1; plus strand), EMC1 (ER membrane protein complex subunit 1; minus strand). Cytogenetic location: 1p36.13.
Variant type: single nucleotide variant.
Coding change: c.881A>C on transcript NM_015047.3 (MANE Select); coding-DNA position 881, A replaced by C.
Protein change: p.His294Pro; replaces histidine 294 with proline.
Molecular consequence: missense variant.
Genome position (GRCh38, 1-based): chr1:19,239,891, T>G on the plus strand (A>C on the coding strand, the complement: EMC1 is on the minus strand). VCF-style: chr1-19239891-T-G. GRCh37 (hg19) VCF-style: chr1-19566385-T-G.
Other names: c.881A>C, p.His294Pro (NM_001271427.2, NM_001271428.2, NM_001375820.1 and 1 more transcripts); c.815A>C, p.His272Pro (NM_001271429.2); c.881A>C (NM_015047.1); short protein forms H272P, H294P.
Identifiers: ClinVar variation 1059693 (VCV001059693.8), dbSNP rs772900959, ClinGen allele CA652764.

ClinVar aggregate classification (germline): Uncertain significance. Review status: criteria provided, multiple submitters, no conflicts (2 of 4 stars). 2 submissions from 2 submitters: Uncertain significance (2). Last evaluated 2026-02-03.

Conditions:
Inborn genetic diseases. Identifiers: MedGen C0950123, MeSH D030342.

Allele frequency attached by ClinVar (database versions not stated): gnomAD 0.00001; ExAC 0.00002; gnomAD exomes 0.00003.
gnomAD v4.1: 11 of 1,613,970 alleles (0.00068%); highest among the groups gnomAD compares: Admixed American, 0.013%; no homozygotes.

Submissions (2):

Labcorp Genetics (formerly Invitae), Labcorp
Classification: Uncertain significance. Last evaluated: 2026-02-03. Review status: criteria provided, single submitter. Criteria: Invitae Variant Classification Sherloc (09022015). Collection method: clinical testing. Allele origin: germline.
Comment: This sequence change replaces histidine, which is basic and polar, with proline, which is neutral and non-polar, at codon 294 of the EMC1 protein (p.His294Pro). This variant is present in population databases (rs772900959, gnomAD 0.02%). This variant has not been reported in the literature in individuals affected with EMC1-related conditions. ClinVar contains an entry for this variant (Variation ID: 1059693). Invitae Evidence Modeling of protein sequence and biophysical properties (such as structural, functional, and spatial information, amino acid conservation, physicochemical variation, residue mobility, and thermodynamic stability) indicates that this missense variant is not expected to disrupt EMC1 protein function with a negative predictive value of 80%. In summary, the available evidence is currently insufficient to determine the role of this variant in disease. Therefore, it has been classified as a Variant of Uncertain Significance.

Ambry Genetics
Classification: Uncertain significance for Inborn genetic diseases. Last evaluated: 2024-09-30. Review status: criteria provided, single submitter. Criteria: Ambry Variant Classification Scheme 2023. Collection method: clinical testing. Allele origin: germline.